The following is an entry in ClinVar:

ClinVar aggregate classification (germline): Uncertain significance (1 of 4 stars; one submission).

Conditions:
Glucose-6-phosphate transport defect (GSD1B). Also called: Glycogen Storage Disease Type Ib; GSD Ib. Identifiers: Orphanet 364, Orphanet 79259, MedGen C0268146, MONDO:0009288, OMIM 232220.

Submission:

Labcorp Genetics (formerly Invitae), Labcorp
Classification: Uncertain significance for Glucose-6-phosphate transport defect. Last evaluated: 2023-03-19. Review status: criteria provided, single submitter. Criteria: Invitae Variant Classification Sherloc (09022015). Collection method: clinical testing. Allele origin: germline.
Comment: This sequence change replaces aspartic acid, which is acidic and polar, with tyrosine, which is neutral and polar, at codon 200 of the SLC37A4 protein (p.Asp200Tyr). This variant is not present in population databases (gnomAD no frequency). This variant has not been reported in the literature in individuals affected with SLC37A4-related conditions. Advanced modeling of protein sequence and biophysical properties (such as structural, functional, and spatial information, amino acid conservation, physicochemical variation, residue mobility, and thermodynamic stability) performed at Invitae indicates that this missense variant is not expected to disrupt SLC37A4 protein function. In summary, the available evidence is currently insufficient to determine the role of this variant in disease. Therefore, it has been classified as a Variant of Uncertain Significance.

NM_001164277.2(SLC37A4):c.598G>T (p.Asp200Tyr)

Gene: SLC37A4 (solute carrier family 37 member 4; minus strand). Cytogenetic location: 11q23.3.
Variant type: single nucleotide variant.
Coding change: c.598G>T on transcript NM_001164277.2 (MANE Select); coding-DNA position 598, G replaced by T.
Protein change: p.Asp200Tyr; replaces aspartic acid 200 with tyrosine.
Molecular consequence: missense variant.
Genome position (GRCh38, 1-based): chr11:119,027,655, C>A on the plus strand (G>T on the coding strand, the complement: SLC37A4 is on the minus strand). VCF-style: chr11-119027655-C-A. GRCh37 (hg19) VCF-style: chr11-118898365-C-A.
Other names: c.598G>T, p.Asp200Tyr (NM_001164278.2, NM_001164280.2, NM_001467.6); c.379G>T, p.Asp127Tyr (NM_001164279.2); short protein forms D127Y, D200Y.
Identifiers: ClinVar variation 2979970 (VCV002979970.3), dbSNP rs2497027753, ClinGen allele CA382901964.